The following is an entry in ClinVar:

ClinVar aggregate classification (germline): Uncertain significance. Review status: criteria provided, multiple submitters, no conflicts (2 of 4 stars). 2 submissions from 2 submitters: Uncertain significance (2). Last evaluated 2024-08-11.

Conditions:
Neuroblastoma, susceptibility to, 3. Also called: ALK-Related Neuroblastic Tumor Susceptibility. Identifiers: Orphanet 635, MedGen C2751681, MONDO:0013083, OMIM 613014.
Hereditary cancer-predisposing syndrome. Also called: Tumor predisposition; Neoplastic Syndromes, Hereditary; Hereditary Cancer Syndrome; Hereditary neoplastic syndrome. Identifiers: Orphanet 140162, MedGen C0027672, MeSH D009386, MONDO:0015356.

Submissions (2):

Labcorp Genetics (formerly Invitae), Labcorp
Classification: Uncertain significance for Neuroblastoma, susceptibility to, 3. Last evaluated: 2024-08-11. Review status: criteria provided, single submitter. Criteria: Invitae Variant Classification Sherloc (09022015). Collection method: clinical testing. Allele origin: germline.
Comment: This sequence change replaces histidine, which is basic and polar, with aspartic acid, which is acidic and polar, at codon 458 of the ALK protein (p.His458Asp). This variant is not present in population databases (gnomAD no frequency). This variant has not been reported in the literature in individuals affected with ALK-related conditions. ClinVar contains an entry for this variant (Variation ID: 1771070). An algorithm developed to predict the effect of missense changes on protein structure and function (PolyPhen-2) suggests that this variant is likely to be tolerated. In summary, the available evidence is currently insufficient to determine the role of this variant in disease. Therefore, it has been classified as a Variant of Uncertain Significance.

Ambry Genetics
Classification: Uncertain significance for Hereditary cancer-predisposing syndrome. Last evaluated: 2022-02-02. Review status: criteria provided, single submitter. Criteria: Ambry Variant Classification Scheme 2023. Collection method: clinical testing. Allele origin: germline.
Comment: The p.H458D variant (also known as c.1372C>G), located in coding exon 6 of the ALK gene, results from a C to G substitution at nucleotide position 1372. The histidine at codon 458 is replaced by aspartic acid, an amino acid with similar properties. This amino acid position is conserved. In addition, the in silico prediction for this alteration is inconclusive. Since supporting evidence is limited at this time, the clinical significance of this alteration remains unclear.

NM_004304.5(ALK):c.1372C>G (p.His458Asp)

Gene: ALK (ALK receptor tyrosine kinase; minus strand). Cytogenetic location: 2p23.2.
Variant type: single nucleotide variant.
Coding change: c.1372C>G on transcript NM_004304.5 (MANE Select); coding-DNA position 1372, C replaced by G.
Protein change: p.His458Asp; replaces histidine 458 with aspartic acid.
Molecular consequence: missense variant.
Genome position (GRCh38, 1-based): chr2:29,328,392, G>C on the plus strand (C>G on the coding strand, the complement: ALK is on the minus strand). VCF-style: chr2-29328392-G-C. GRCh37 (hg19) VCF-style: chr2-29551258-G-C.
Other names: short protein forms H458D.
Identifiers: ClinVar variation 1771070 (VCV001771070.5), dbSNP rs2465459349, ClinGen allele CA346474210.